The following is an entry in ClinVar:

ClinVar aggregate classification (germline): Uncertain significance (1 of 4 stars; one submission).

Conditions:
Perlman syndrome (PRLMNS). Identifiers: Orphanet 2849, MedGen C0796113, MONDO:0009965, OMIM 267000.

Submission:

Labcorp Genetics (formerly Invitae), Labcorp
Classification: Uncertain significance for Perlman syndrome. Last evaluated: 2017-10-30. Review status: criteria provided, single submitter. Criteria: Invitae Variant Classification Sherloc (09022015). Collection method: clinical testing. Allele origin: germline.
Comment: Algorithms developed to predict the effect of missense changes on protein structure and function do not agree on the potential impact of this missense change (SIFT: "Tolerated"; PolyPhen-2: "Probably Damaging"; Align-GVGD: "Class C0"). This variant has not been reported in the literature in individuals with DIS3L2-related disease. This variant is not present in population databases (ExAC no frequency). This sequence change replaces asparagine with lysine at codon 692 of the DIS3L2 protein (p.Asn692Lys). The asparagine residue is highly conserved and there is a moderate physicochemical difference between asparagine and lysine. In summary, the available evidence is currently insufficient to determine the role of this variant in disease. Therefore, it has been classified as a Variant of Uncertain Significance.

NM_152383.5(DIS3L2):c.2076T>G (p.Asn692Lys)

Gene: DIS3L2 (DIS3 like 3'-5' exoribonuclease 2; plus strand). Cytogenetic location: 2q37.1.
Variant type: single nucleotide variant.
Coding change: c.2076T>G on transcript NM_152383.5 (MANE Select); coding-DNA position 2076, T replaced by G.
Protein change: p.Asn692Lys; replaces asparagine 692 with lysine.
Molecular consequence: missense variant. On other transcripts: non-coding transcript variant (2), intron variant (1).
Genome position (GRCh38, 1-based): chr2:232,333,905, T>G. VCF-style: chr2-232333905-T-G. GRCh37 (hg19) VCF-style: chr2-233198615-T-G.
Other names: c.1582-9440T>G (NM_001257281.2); short protein forms N692K.
Identifiers: ClinVar variation 531906 (VCV000531906.8), dbSNP rs767082193, ClinGen allele CA350977427.